The following is an entry in ClinVar:

NM_000321.3(RB1):c.981A>C (p.Lys327Asn)

Gene: RB1 (RB transcriptional corepressor 1; plus strand). Cytogenetic location: 13q14.2.
Variant type: single nucleotide variant.
Coding change: c.981A>C on transcript NM_000321.3 (MANE Select); coding-DNA position 981, A replaced by C.
Protein change: p.Lys327Asn; replaces lysine 327 with asparagine.
Molecular consequence: missense variant.
Genome position (GRCh38, 1-based): chr13:48,367,535, A>C. VCF-style: chr13-48367535-A-C. GRCh37 (hg19) VCF-style: chr13-48941671-A-C.
Other names: c.981A>C, p.Lys327Asn (NM_001407165.1, NM_001407166.1); short protein forms K327N.
Identifiers: ClinVar variation 1768295 (VCV001768295.2), dbSNP rs2542188491, ClinGen allele CA388160706.

ClinVar aggregate classification (germline): Uncertain significance (1 of 4 stars; one submission).

Conditions:
Hereditary cancer-predisposing syndrome. Also called: Hereditary Cancer Syndrome; Hereditary neoplastic syndrome; Neoplastic Syndromes, Hereditary; Tumor predisposition. Identifiers: Orphanet 140162, MedGen C0027672, MeSH D009386, MONDO:0015356.

Allele frequency attached by ClinVar (database versions not stated): gnomAD exomes below 0.00001.
gnomAD v4.1: 1 of 1,604,842 alleles (0.000062%); highest among the groups gnomAD compares: Non-Finnish European, 0.000085%; no homozygotes.

Submission:

Ambry Genetics
Classification: Uncertain significance for Hereditary cancer-predisposing syndrome. Last evaluated: 2022-05-04. Review status: criteria provided, single submitter. Criteria: Ambry Variant Classification Scheme 2023. Collection method: clinical testing. Allele origin: germline.
Comment: The p.K327N variant (also known as c.981A>C), located in coding exon 10 of the RB1 gene, results from an A to C substitution at nucleotide position 981. The lysine at codon 327 is replaced by asparagine, an amino acid with similar properties. This amino acid position is conserved. In addition, the in silico prediction for this alteration is inconclusive. Since supporting evidence is limited at this time, the clinical significance of this alteration remains unclear.